The following is an entry in ClinVar:

ClinVar aggregate classification (germline): Uncertain significance (1 of 4 stars; one submission).

Conditions:
Hypercholesterolemia, autosomal dominant, 3 (FHCL3). Also called: Familial Hypercholesterolemia, Autosomal Dominant, 3; PCSK9-Related Familial Hypercholesterolemia, Autosomal Dominant; Familial hypercholesterolemia 3. Identifiers: MedGen C1863551, MONDO:0011369, OMIM 603776.

Submission:

All of Us Research Program, National Institutes of Health
Classification: Uncertain significance for Hypercholesterolemia, autosomal dominant, 3. Last evaluated: 2024-03-05. Review status: criteria provided, single submitter. Criteria: ACMG Guidelines, 2015. Collection method: clinical testing. Allele origin: germline. Inheritance: Autosomal dominant inheritance. Observed: 1 variant allele, 1 heterozygote.
Comment: This missense variant replaces glutamine with lysine at codon 344 of the PCSK9 protein. Computational prediction is inconclusive regarding the impact of this variant on protein structure and function (internally defined REVEL score threshold 0.5 < inconclusive < 0.7, PMID: 27666373). Splice site prediction tools suggest that this variant may not impact RNA splicing. To our knowledge, functional studies have not been performed for this variant. This variant has not been reported in individuals affected with familial hypercholesterolemia in the literature. This variant has been identified in 2/282634 chromosomes in the general population by the Genome Aggregation Database (gnomAD). The available evidence is insufficient to determine the role of this variant in disease conclusively. Therefore, this variant is classified as a Variant of Uncertain Significance.

This study involves interpretation of variants in research participants for the purpose of population health screening. Participant phenotype was not available at the time of variant classification. Additional details can be found in publication PMID: 35346344, PMCID: PMC8962531

NM_174936.4(PCSK9):c.1030C>A (p.Gln344Lys)

Gene: PCSK9 (proprotein convertase subtilisin/kexin type 9; plus strand). Cytogenetic location: 1p32.3.
Variant type: single nucleotide variant.
Coding change: c.1030C>A on transcript NM_174936.4 (MANE Select); coding-DNA position 1030, C replaced by A.
Protein change: p.Gln344Lys; replaces glutamine 344 with lysine.
Molecular consequence: missense variant. On other transcripts: non-coding transcript variant (7).
Genome position (GRCh38, 1-based): chr1:55,057,364, C>A. VCF-style: chr1-55057364-C-A. GRCh37 (hg19) VCF-style: chr1-55523037-C-A.
Other names: c.1153C>A, p.Gln385Lys (NM_001407240.1); c.1030C>A, p.Gln344Lys (NM_001407241.1, NM_001407244.1, NM_001407247.1); c.1033C>A, p.Gln345Lys (NM_001407242.1); c.973C>A, p.Gln325Lys (NM_001407243.1); c.838C>A, p.Gln280Lys (NM_001407245.1); c.655C>A, p.Gln219Lys (NM_001407246.1); short protein forms Q219K, Q280K, Q325K, Q344K, Q345K, Q385K.
Identifiers: ClinVar variation 3387441 (VCV003387441.1).
Genomic context (GRCh38, chr1:55,057,364, plus strand): 5'-CTGCCACCCACCTCCTCACCTTTCCAGGTCATCACAGTTGGGGCCACCAATGCCCAAGAC[C>A]AGCCGGTGACCCTGGGGACTTTGGGGACCAACTTTGGCCGCTGTGTGGACCTCTTTGCCC-3'
Protein context (NP_777596.2, residues 334-354): ITVGATNAQD[Gln344Lys]PVTLGTLGTN